The following is an entry in ClinVar:

ClinVar aggregate classification (germline): Pathogenic (1 of 4 stars; one submission).

Submission:

GeneDx
Classification: Pathogenic. Last evaluated: 2016-07-08. Review status: criteria provided, single submitter. Criteria: GeneDx Variant Classification (06012015). Collection method: clinical testing. Allele origin: germline. Affected: yes.
Comment: The W494X nonsense variant in the CHD2 gene is predicted to cause loss of normal protein function either through protein truncation or nonsense-mediated mRNA decay. It was not observed in approximately 6,500 individuals of European and African American ancestry in the NHLBI Exome Sequencing Project, indicating it is not a common benign variant in these populations.

NM_001271.4(CHD2):c.1481G>A (p.Trp494Ter)

Gene: CHD2 (chromodomain helicase DNA binding protein 2; plus strand). Cytogenetic location: 15q26.1.
Variant type: single nucleotide variant.
Coding change: c.1481G>A on transcript NM_001271.4 (MANE Select); coding-DNA position 1481, G replaced by A.
Protein change: p.Trp494Ter; replaces tryptophan 494 with a stop codon.
Molecular consequence: nonsense.
Genome position (GRCh38, 1-based): chr15:92,949,055, G>A. VCF-style: chr15-92949055-G-A. GRCh37 (hg19) VCF-style: chr15-93492285-G-A.
Other names: c.1481G>A, p.Trp494Ter (NM_001042572.3); short protein forms W494*.
Identifiers: ClinVar variation 280700 (VCV000280700.2), dbSNP rs886041857, ClinGen allele CA10603241.